The following is an entry in ClinVar:

ClinVar aggregate classification (germline): Uncertain significance. Review status: criteria provided, multiple submitters, no conflicts (2 of 4 stars). 2 submissions from 2 submitters: Uncertain significance (2). Last evaluated 2026-08-15.

Conditions:
Baller-Gerold syndrome (BGS). Also called: CRANIOSYNOSTOSIS WITH RADIAL DEFECTS. Identifiers: Orphanet 1225, MedGen C0265308, MONDO:0009039, OMIM 218600.
Inborn genetic diseases. Identifiers: MedGen C0950123, MeSH D030342.

Submissions (2):

Ambry Genetics
Classification: Uncertain significance for Inborn genetic diseases. Last evaluated: 2026-08-15. Review status: criteria provided, single submitter. Criteria: Ambry Variant Classification Scheme 2023. Collection method: clinical testing. Allele origin: germline.
Comment: The p.L584V variant (also known as c.1750C>G), located in coding exon 11 of the RECQL4 gene, results from a C to G substitution at nucleotide position 1750. The leucine at codon 584 is replaced by valine, an amino acid with highly similar properties. This amino acid position is conserved. In addition, the in silico prediction for this alteration is inconclusive. Based on the available evidence, the clinical significance of this variant remains unclear.

Labcorp Genetics (formerly Invitae), Labcorp
Classification: Uncertain significance for Baller-Gerold syndrome. Last evaluated: 2020-10-30. Review status: criteria provided, single submitter. Criteria: Invitae Variant Classification Sherloc (09022015). Collection method: clinical testing. Allele origin: germline.
Comment: This sequence change replaces leucine with valine at codon 584 of the RECQL4 protein (p.Leu584Val). The leucine residue is highly conserved and there is a small physicochemical difference between leucine and valine. This variant is not present in population databases (ExAC no frequency). This variant has not been reported in the literature in individuals with RECQL4-related conditions. Experimental studies and prediction algorithms are not available or were not evaluated, and the functional significance of this variant is currently unknown. In summary, the available evidence is currently insufficient to determine the role of this variant in disease. Therefore, it has been classified as a Variant of Uncertain Significance.

NM_004260.4(RECQL4):c.1750C>G (p.Leu584Val)

Gene: RECQL4 (RecQ like helicase 4; minus strand). Cytogenetic location: 8q24.3.
Variant type: single nucleotide variant.
Coding change: c.1750C>G on transcript NM_004260.4 (MANE Select); coding-DNA position 1750, C replaced by G.
Protein change: p.Leu584Val; replaces leucine 584 with valine.
Molecular consequence: missense variant.
Genome position (GRCh38, 1-based): chr8:144,514,317, G>C on the plus strand (C>G on the coding strand, the complement: RECQL4 is on the minus strand). VCF-style: chr8-144514317-G-C. GRCh37 (hg19) VCF-style: chr8-145739701-G-C.
Other names: c.1750C>G (NM_004260.3); short protein forms L584V.
Identifiers: ClinVar variation 1474045 (VCV001474045.7), dbSNP rs2130696442, ClinGen allele CA372681083.